The following is an entry in ClinVar:

NM_004360.5(CDH1):c.1720G>A (p.Val574Ile)

Gene: CDH1 (cadherin 1; plus strand). Cytogenetic location: 16q22.1.
Variant type: single nucleotide variant.
Coding change: c.1720G>A on transcript NM_004360.5 (MANE Select); coding-DNA position 1720, G replaced by A.
Protein change: p.Val574Ile; replaces valine 574 with isoleucine.
Molecular consequence: missense variant. On other transcripts: 5 prime UTR variant (1).
Genome position (GRCh38, 1-based): chr16:68,822,009, G>A. VCF-style: chr16-68822009-G-A. GRCh37 (hg19) VCF-style: chr16-68855912-G-A.
Other names: c.1720G>A (LRG_301t1); c.1537G>A, p.Val513Ile (NM_001317184.2); c.172G>A, p.Val58Ile (NM_001317185.2); c.-246G>A (NM_001317186.2); short protein forms V574I, V513I, V58I.
Identifiers: ClinVar variation 232991 (VCV000232991.16), dbSNP rs115934514, ClinGen allele CA10580131.

ClinVar aggregate classification (germline): Conflicting classifications of pathogenicity. Review status: criteria provided, conflicting classifications (1 of 4 stars). 3 submissions from 3 submitters: Uncertain significance (2); Likely benign (1). Last evaluated 2026-06-03.

Conditions:
Hereditary diffuse gastric adenocarcinoma (HDGC). Also called: DIFFUSE GASTRIC AND LOBULAR BREAST CANCER SYNDROME. Identifiers: Orphanet 26106, MedGen C1708349, MONDO:0007648, OMIM 137215.
Hereditary cancer-predisposing syndrome. Also called: Neoplastic Syndromes, Hereditary; Hereditary Cancer Syndrome; Tumor predisposition; Hereditary neoplastic syndrome. Identifiers: Orphanet 140162, MedGen C0027672, MeSH D009386, MONDO:0015356.

Submissions (3):

Ambry Genetics
Classification: Likely benign for Hereditary cancer-predisposing syndrome. Last evaluated: 2026-06-03. Review status: criteria provided, single submitter. Criteria: Ambry Variant Classification Scheme 2023. Collection method: clinical testing. Allele origin: germline.

Labcorp Genetics (formerly Invitae), Labcorp
Classification: Uncertain significance for Hereditary diffuse gastric adenocarcinoma. Last evaluated: 2025-12-22. Review status: criteria provided, single submitter. Criteria: Invitae Variant Classification Sherloc (09022015). Collection method: clinical testing. Allele origin: germline.
Comment: This sequence change replaces valine, which is neutral and non-polar, with isoleucine, which is neutral and non-polar, at codon 574 of the CDH1 protein (p.Val574Ile). This variant is not present in population databases (gnomAD no frequency). This variant has not been reported in the literature in individuals affected with CDH1-related conditions. ClinVar contains an entry for this variant (Variation ID: 232991). An algorithm developed to predict the effect of missense changes on protein structure and function outputs the following: PolyPhen-2: "Benign". The isoleucine amino acid residue is found in multiple mammalian species, which suggests that this missense change does not adversely affect protein function. In summary, the available evidence is currently insufficient to determine the role of this variant in disease. Therefore, it has been classified as a Variant of Uncertain Significance.

Color Diagnostics, LLC DBA Color Health
Classification: Uncertain significance for Hereditary cancer-predisposing syndrome. Last evaluated: 2023-12-05. Review status: criteria provided, single submitter. Criteria: ACMG Guidelines, 2015. Collection method: clinical testing. Allele origin: germline.
Comment: This missense variant replaces valine with isoleucine at codon 574 of the CDH1 protein. To our knowledge, functional studies have not been reported for this variant. This variant has not been reported in individuals affected with CDH1-related disorders in the literature. This variant has not been identified in the general population by the Genome Aggregation Database (gnomAD). The available evidence is insufficient to determine the role of this variant in disease conclusively. Therefore, this variant is classified as a Variant of Uncertain Significance.